The following is an entry in ClinVar:

NM_001195263.2(PDZD7):c.1083del (p.Gly362fs)

Gene: PDZD7 (PDZ domain containing 7; minus strand). Cytogenetic location: 10q24.31.
Variant type: Deletion.
Coding change: c.1083del on transcript NM_001195263.2 (MANE Select); coding-DNA position 1083, one base deleted (A; older notation c.1083delA).
Protein change: p.Gly362fs; shifts the reading frame from glycine 362.
Molecular consequence: frameshift variant.
Genome position (GRCh38, 1-based): chr10:101,019,063, T deleted on the plus strand (A on the coding strand, the reverse complement: PDZD7 is on the minus strand). VCF-style (leftmost placement, unchanged base first): chr10-101019062-CT-C. GRCh37 (hg19) VCF-style: chr10-102778819-CT-C.
Other names: c.1083del, p.Gly362fs (NM_001351044.2, NM_024895.5); short protein forms G362fs.
Identifiers: ClinVar variation 3648563 (VCV003648563.2).

ClinVar aggregate classification (germline): Pathogenic (1 of 4 stars; one submission).

Submission:

Labcorp Genetics (formerly Invitae), Labcorp
Classification: Pathogenic. Last evaluated: 2024-04-14. Review status: criteria provided, single submitter. Criteria: Invitae Variant Classification Sherloc (09022015). Collection method: clinical testing. Allele origin: germline.
Comment: This sequence change creates a premature translational stop signal (p.Gly362Alafs*77) in the PDZD7 gene. It is expected to result in an absent or disrupted protein product. Loss-of-function variants in PDZD7 are known to be pathogenic (PMID: 20440071). This variant is not present in population databases (gnomAD no frequency). This variant has not been reported in the literature in individuals affected with PDZD7-related conditions. For these reasons, this variant has been classified as Pathogenic.

Literature cited by the submitters: PubMed 20440071.